The following is an entry in ClinVar:

ClinVar aggregate classification (germline): Uncertain significance (1 of 4 stars; one submission).

Submission:

Labcorp Genetics (formerly Invitae), Labcorp
Classification: Uncertain significance. Last evaluated: 2022-06-20. Review status: criteria provided, single submitter. Criteria: Invitae Variant Classification Sherloc (09022015). Collection method: clinical testing. Allele origin: germline.
Comment: In summary, the available evidence is currently insufficient to determine the role of this variant in disease. Therefore, it has been classified as a Variant of Uncertain Significance. This variant has not been reported in the literature in individuals affected with ADIPOR1-related conditions. This variant is not present in population databases (gnomAD no frequency). This sequence change creates a premature translational stop signal (p.Ile95Cysfs*6) in the ADIPOR1 gene. It is expected to result in an absent or disrupted protein product. However, the current clinical and genetic evidence is not sufficient to establish whether loss-of-function variants in ADIPOR1 cause disease.

NM_015999.6(ADIPOR1):c.282_294del (p.Ile95fs)

Gene: ADIPOR1 (adiponectin receptor 1; minus strand). Cytogenetic location: 1q32.1.
Variant type: Deletion.
Coding change: c.282_294del on transcript NM_015999.6 (MANE Select); coding-DNA positions 282 to 294, 13 bases deleted (CATCCCATATGAT).
Protein change: p.Ile95fs; shifts the reading frame from isoleucine 95.
Molecular consequence: frameshift variant.
Genome position (GRCh38, 1-based): chr1:202,946,575-202,946,587, ATCATATGGGATG deleted on the plus strand (CATCCCATATGAT on the coding strand, the reverse complement: ADIPOR1 is on the minus strand); deleting any 13 consecutive bases within chr1:202,946,575-202,946,588 gives the same sequence; the c. name uses the placement nearest the transcript's 3' end. VCF-style (leftmost placement, unchanged base first): chr1-202946574-CATCATATGGGATG-C. GRCh37 (hg19) VCF-style: chr1-202915702-CATCATATGGGATG-C.
Other names: c.282_294del, p.Ile95fs (NM_001290553.2, NM_001290557.1, NM_001290629.1); short protein forms I95fs.
Identifiers: ClinVar variation 1370677 (VCV001370677.6), dbSNP rs2102485917, ClinGen allele CA2573131468.